The following is an entry in ClinVar:

NM_000245.4(MET):c.635A>T (p.His212Leu)

Gene: MET (MET proto-oncogene, receptor tyrosine kinase; plus strand). Cytogenetic location: 7q31.2.
Variant type: single nucleotide variant.
Coding change: c.635A>T on transcript NM_000245.4 (MANE Select); coding-DNA position 635, A replaced by T.
Protein change: p.His212Leu; replaces histidine 212 with leucine.
Molecular consequence: missense variant. On other transcripts: intron variant (1).
Genome position (GRCh38, 1-based): chr7:116,699,719, A>T. VCF-style: chr7-116699719-A-T. GRCh37 (hg19) VCF-style: chr7-116339773-A-T.
Other names: c.635A>T, p.His212Leu (NM_001127500.3, NM_001324401.3); c.-91+27142A>T (NM_001324402.2); short protein forms H212L.
Identifiers: ClinVar variation 1753038 (VCV001753038.5), dbSNP rs2116593957, ClinGen allele CA368969511.

ClinVar aggregate classification (germline): Uncertain significance. Review status: criteria provided, multiple submitters, no conflicts (2 of 4 stars). 2 submissions from 2 submitters: Uncertain significance (2). Last evaluated 2024-04-08.

Conditions:
Renal cell carcinoma. Identifiers: Orphanet 217071, MedGen C0007134, MeSH D002292, MONDO:0005086, HP:0005584.
Hereditary cancer-predisposing syndrome. Also called: Neoplastic Syndromes, Hereditary; Tumor predisposition; Hereditary Cancer Syndrome; Hereditary neoplastic syndrome. Identifiers: Orphanet 140162, MedGen C0027672, MeSH D009386, MONDO:0015356.

Submissions (2):

Labcorp Genetics (formerly Invitae), Labcorp
Classification: Uncertain significance for Renal cell carcinoma. Last evaluated: 2024-04-08. Review status: criteria provided, single submitter. Criteria: Invitae Variant Classification Sherloc (09022015). Collection method: clinical testing. Allele origin: germline.
Comment: This sequence change replaces histidine, which is basic and polar, with leucine, which is neutral and non-polar, at codon 212 of the MET protein (p.His212Leu). This variant is not present in population databases (gnomAD no frequency). This variant has not been reported in the literature in individuals affected with MET-related conditions. ClinVar contains an entry for this variant (Variation ID: 1753038). Advanced modeling of protein sequence and biophysical properties (such as structural, functional, and spatial information, amino acid conservation, physicochemical variation, residue mobility, and thermodynamic stability) has been performed at Invitae for this missense variant, however the output from this modeling did not meet the statistical confidence thresholds required to predict the impact of this variant on MET protein function. In summary, the available evidence is currently insufficient to determine the role of this variant in disease. Therefore, it has been classified as a Variant of Uncertain Significance.

Ambry Genetics
Classification: Uncertain significance for Hereditary cancer-predisposing syndrome. Last evaluated: 2021-06-10. Review status: criteria provided, single submitter. Criteria: Ambry Variant Classification Scheme 2023. Collection method: clinical testing. Allele origin: germline.
Comment: The p.H212L variant (also known as c.635A>T), located in coding exon 1 of the MET gene, results from an A to T substitution at nucleotide position 635. The histidine at codon 212 is replaced by leucine, an amino acid with similar properties. This amino acid position is highly conserved in available vertebrate species. In addition, the in silico prediction for this alteration is inconclusive. Since supporting evidence is limited at this time, the clinical significance of this alteration remains unclear.